The following is an entry in ClinVar:

ClinVar aggregate classification (germline): Benign/Likely benign. Review status: criteria provided, multiple submitters, no conflicts (2 of 4 stars). 8 submissions from 8 submitters: Benign (1); Likely benign (7). Last evaluated 2026-03-01.

Conditions:
Brittle cornea syndrome 1 (BCS1). Also called: DYSGENESIS MESODERMALIS CORNEAE ET SCLERAE; Corneal fragility keratoglobus, blue sclerae AND joint hypermobility; CORNEAL FRAGILITY, KERATOGLOBUS, BLUE SCLERAE, JOINT HYPEREXTENSIBILITY; EDS6B; FRAGILITAS OCULI WITH JOINT HYPEREXTENSIBILITY. Identifiers: Orphanet 90354, MedGen C0268344, MONDO:0024543, OMIM 229200.
Cardiovascular phenotype. Identifiers: MedGen CN230736.

Allele frequency attached by ClinVar (database versions not stated): gnomAD below 0.00001 and 0.00028; TOPMed 0.00005; gnomAD exomes 0.00058 and 0.00143; 1000 Genomes Project 30x 0.00172; 1000 Genomes Project 0.00180; ExAC 0.00401.
gnomAD v4.1: 859 of 1,550,386 alleles (0.055%); highest among the groups gnomAD compares: South Asian, 0.97%; 14 homozygotes.

Submissions (8):

CeGaT Center for Human Genetics Tuebingen
Classification: Likely benign. Last evaluated: 2026-03-01. Review status: criteria provided, single submitter. Criteria: CeGaT Center For Human Genetics Tuebingen Variant Classification Criteria Version 2. Collection method: clinical testing. Allele origin: germline. Affected: yes. Observed: 1 variant allele.
Comment: ZNF469: BP4, BP7, BS2

Women's Health and Genetics/Laboratory Corporation of America, LabCorp
Classification: Likely benign. Last evaluated: 2026-02-09. Review status: criteria provided, single submitter. Criteria: LabCorp Variant Classification Summary - May 2015. Collection method: clinical testing. Allele origin: germline.

Labcorp Genetics (formerly Invitae), Labcorp
Classification: Benign. Last evaluated: 2026-02-04. Review status: criteria provided, single submitter. Criteria: Invitae Variant Classification Sherloc (09022015). Collection method: clinical testing. Allele origin: germline.

Mayo Clinic Laboratories, Mayo Clinic
Classification: Likely benign. Last evaluated: 2025-09-18. Review status: criteria provided, single submitter. Criteria: ACMG Guidelines, 2015. Collection method: clinical testing. Allele origin: germline. Observed: 2 variant alleles.
Comment: BS1, BP4, BP7

Ambry Genetics
Classification: Likely benign for Cardiovascular phenotype. Last evaluated: 2024-12-16. Review status: criteria provided, single submitter. Criteria: Ambry Variant Classification Scheme 2023. Collection method: clinical testing. Allele origin: germline.

Fulgent Genetics
Classification: Likely benign for Brittle cornea syndrome 1. Last evaluated: 2022-03-22. Review status: criteria provided, single submitter. Criteria: ACMG Guidelines, 2015. Collection method: clinical testing. Allele origin: unknown.

GeneDx
Classification: Likely benign. Last evaluated: 2020-12-14. Review status: criteria provided, single submitter. Criteria: GeneDx Variant Classification Process June 2021. Collection method: clinical testing. Allele origin: germline. Affected: yes.

Breakthrough Genomics
Classification: Likely benign. Review status: criteria provided, single submitter. Criteria: ACMG Guidelines, 2015. Collection method: not provided. Allele origin: germline. Inheritance: Autosomal recessive inheritance. Affected: yes.

NM_001367624.2(ZNF469):c.3714C>T (p.Ser1238=)

Gene: ZNF469 (zinc finger protein 469; plus strand). Cytogenetic location: 16q24.2.
Variant type: single nucleotide variant.
Coding change: c.3714C>T on transcript NM_001367624.2 (MANE Select); coding-DNA position 3714, C replaced by T.
Protein change: p.Ser1238=; no amino-acid change (serine 1238 retained).
Molecular consequence: synonymous variant.
Genome position (GRCh38, 1-based): chr16:88,431,184, C>T. VCF-style: chr16-88431184-C-T. GRCh37 (hg19) VCF-style: chr16-88497592-C-T.
Other names: NM_001127464.1:c.3630C>T; p.Ser1238=.
Identifiers: ClinVar variation 511525 (VCV000511525.17), dbSNP rs572061351, ClinGen allele CA8224880.